The following is an entry in ClinVar:

ClinVar aggregate classification (germline): Uncertain significance (1 of 4 stars; one submission).

Conditions:
Dilated cardiomyopathy 1D. Identifiers: Orphanet 154, Orphanet 54260, MedGen C1832243, MONDO:0011095, OMIM 601494.
Cardiomyopathy, familial restrictive, 3. Identifiers: Orphanet 75249, MedGen C2676271, MONDO:0012900, OMIM 612422.
Hypertrophic cardiomyopathy 2. Also called: TNNT2-Related Familial Hypertrophic Cardiomyopathy. Identifiers: MedGen C1861864, MONDO:0007266, OMIM 115195.

Allele frequency attached by ClinVar (database versions not stated): gnomAD exomes below 0.00001; ExAC 0.00001.

Submission:

Labcorp Genetics (formerly Invitae), Labcorp
Classification: Uncertain significance for Cardiomyopathy, familial restrictive, 3; Hypertrophic cardiomyopathy 2; Dilated cardiomyopathy 1D. Last evaluated: 2025-02-05. Review status: criteria provided, single submitter. Criteria: Invitae Variant Classification Sherloc (09022015). Collection method: clinical testing. Allele origin: germline.
Comment: This sequence change replaces methionine, which is neutral and non-polar, with isoleucine, which is neutral and non-polar, at codon 182 of the TNNT2 protein (p.Met182Ile). This variant is present in population databases (rs763316865, gnomAD 0.006%). This variant has not been reported in the literature in individuals affected with TNNT2-related conditions. ClinVar contains an entry for this variant (Variation ID: 2063068). Invitae Evidence Modeling of protein sequence and biophysical properties (such as structural, functional, and spatial information, amino acid conservation, physicochemical variation, residue mobility, and thermodynamic stability) indicates that this missense variant is not expected to disrupt TNNT2 protein function with a negative predictive value of 80%. In summary, the available evidence is currently insufficient to determine the role of this variant in disease. Therefore, it has been classified as a Variant of Uncertain Significance.

NM_001276345.2(TNNT2):c.576G>A (p.Met192Ile)

Gene: TNNT2 (troponin T2, cardiac type; minus strand). Cytogenetic location: 1q32.1.
Variant type: single nucleotide variant.
Coding change: c.576G>A on transcript NM_001276345.2 (MANE Select); coding-DNA position 576, G replaced by A.
Protein change: p.Met192Ile; replaces methionine 192 with isoleucine.
Molecular consequence: missense variant.
Genome position (GRCh38, 1-based): chr1:201,363,320, C>T on the plus strand (G>A on the coding strand, the complement: TNNT2 is on the minus strand). VCF-style: chr1-201363320-C-T. GRCh37 (hg19) VCF-style: chr1-201332448-C-T.
Other names: c.576G>A, p.Met192Ile (NM_000364.4, NM_001406723.1); c.546G>A, p.Met182Ile (NM_001001430.3, NM_001001431.3, NM_001276347.2 and 3 more transcripts); c.531G>A, p.Met177Ile (NM_001001432.3, NM_001406728.1); c.456G>A, p.Met152Ile (NM_001276346.2); c.543G>A, p.Met181Ile (NM_001406725.1); short protein forms M181I, M182I, M192I, M152I, M177I.
Identifiers: ClinVar variation 2063068 (VCV002063068.4), dbSNP rs763316865, ClinGen allele CA089036.